The following is an entry in ClinVar:

NM_000059.4(BRCA2):c.512dup (p.Lys172fs)

Gene: BRCA2 (BRCA2 DNA repair associated; plus strand). Cytogenetic location: 13q13.1.
Variant type: Duplication.
Coding change: c.512dup on transcript NM_000059.4 (MANE Select); coding-DNA position 512, one base duplicated (T; older notation c.512dupT).
Protein change: p.Lys172fs; shifts the reading frame from lysine 172.
Molecular consequence: frameshift variant.
Genome position (GRCh38, 1-based): chr13:32,326,278, T duplicated. VCF-style (leftmost placement, unchanged base first): chr13-32326277-G-GT. GRCh37 (hg19) VCF-style: chr13-32900414-G-GT.
Other names: 740insT; c.512dupT (NM_000059.3); short protein forms K172fs.
Identifiers: ClinVar variation 91834 (VCV000091834.12), dbSNP rs398122793, ClinGen allele CA021323.

ClinVar aggregate classification (germline): Pathogenic. Review status: reviewed by expert panel (3 of 4 stars). 4 submissions from 4 submitters: Pathogenic (1). 3 of the submissions do not count toward it. Last evaluated 2016-09-08.

Conditions:
Hereditary breast ovarian cancer syndrome. Also called: Breast and ovarian cancer; Hereditary breast and ovarian cancer; Hereditary breast and ovarian cancer syndrome; BRCA1- and BRCA2-Associated Hereditary Breast and Ovarian Cancer; Hereditary breast and ovarian cancer syndrome (HBOC); Hereditary breast and/or ovarian cancer syndrome. Identifiers: Orphanet 145, MedGen C0677776, MeSH D061325, MONDO:0003582. Disease mechanism: loss of function.
Hereditary cancer-predisposing syndrome. Also called: Tumor predisposition; Hereditary Cancer Syndrome; Neoplastic Syndromes, Hereditary; Hereditary neoplastic syndrome. Identifiers: Orphanet 140162, MedGen C0027672, MeSH D009386, MONDO:0015356.
Breast-ovarian cancer, familial, susceptibility to, 2 (BROVCA2). Also called: BRCA2 Hereditary Breast and Ovarian Cancer. Identifiers: Orphanet 145, MedGen C2675520, MONDO:0012933, OMIM 612555. Disease mechanism: loss of function.

Submissions (4):

Evidence-based Network for the Interpretation of Germline Mutant Alleles (ENIGMA)
Classification: Pathogenic for Breast-ovarian cancer, familial, susceptibility to, 2. Last evaluated: 2016-09-08. Review status: reviewed by expert panel. Criteria: ENIGMA BRCA1/2 Classification Criteria (2015). Collection method: curation. Allele origin: germline.
Comment: Variant allele predicted to encode a truncated non-functional protein.

Ambry Genetics
Classification: Pathogenic for Hereditary cancer-predisposing syndrome. Last evaluated: 2024-08-05. Review status: criteria provided, single submitter. Criteria: Ambry Variant Classification Scheme 2023. Collection method: clinical testing. Allele origin: germline. Not counted in ClinVar's aggregate classification.
Comment: The c.512dupT pathogenic mutation, located in coding exon 5 of the BRCA2 gene, results from a duplication of T at nucleotide position 512, causing a translational frameshift with a predicted alternate stop codon (p.V171Vfs*12). This alteration is expected to result in loss of function by premature protein truncation or nonsense-mediated mRNA decay. As such, this alteration is interpreted as a disease-causing mutation.

Labcorp Genetics (formerly Invitae), Labcorp
Classification: Pathogenic for Hereditary breast ovarian cancer syndrome. Last evaluated: 2023-09-17. Review status: criteria provided, single submitter. Criteria: Invitae Variant Classification Sherloc (09022015). Collection method: clinical testing. Allele origin: germline. Not counted in ClinVar's aggregate classification.
Comment: For these reasons, this variant has been classified as Pathogenic. ClinVar contains an entry for this variant (Variation ID: 91834). This variant has not been reported in the literature in individuals affected with BRCA2-related conditions. This variant is not present in population databases (gnomAD no frequency). This sequence change creates a premature translational stop signal (p.Lys172Glufs*11) in the BRCA2 gene. It is expected to result in an absent or disrupted protein product. Loss-of-function variants in BRCA2 are known to be pathogenic (PMID: 20104584).

Sharing Clinical Reports Project (SCRP)
Classification: Pathogenic for Breast-ovarian cancer, familial 2. Last evaluated: 2012-04-05. Review status: no assertion criteria provided. Collection method: clinical testing. Allele origin: germline. Not counted in ClinVar's aggregate classification.

Literature cited by the submitters: PubMed 20104584 (cited by Labcorp Genetics (formerly Invitae), Labcorp).